The following is an entry in ClinVar:

NM_002197.3(ACO1):c.827A>G (p.Lys276Arg)

Gene: ACO1 (aconitase 1; plus strand). Cytogenetic location: 9p21.1.
Variant type: single nucleotide variant.
Coding change: c.827A>G on transcript NM_002197.3 (MANE Select); coding-DNA position 827, A replaced by G.
Protein change: p.Lys276Arg; replaces lysine 276 with arginine.
Molecular consequence: missense variant.
Genome position (GRCh38, 1-based): chr9:32,420,884, A>G. VCF-style: chr9-32420884-A-G. GRCh37 (hg19) VCF-style: chr9-32420882-A-G.
Other names: p.Lys276Arg; c.827A>G, p.Lys276Arg (NM_001278352.2, NM_001362840.2); short protein forms K276R.
Identifiers: ClinVar variation 4541423 (VCV004541423.1).

ClinVar aggregate classification (germline): Uncertain significance (1 of 4 stars; one submission).

gnomAD v4.1: 4 of 1,613,824 alleles (0.00025%); highest among the groups gnomAD compares: Non-Finnish European, 0.00034%; no homozygotes.

Submission:

Mayo Clinic Laboratories, Mayo Clinic
Classification: Uncertain significance. Last evaluated: 2025-08-27. Review status: criteria provided, single submitter. Criteria: ACMG Guidelines, 2015. Collection method: clinical testing. Allele origin: germline. Observed: 1 variant allele.
Comment: BP4, PM2_supporting